The following is an entry in ClinVar:

ClinVar aggregate classification (germline): Uncertain significance (1 of 4 stars; one submission).

gnomAD v4.1: 1 of 1,612,560 alleles (0.000062%); highest among the groups gnomAD compares: South Asian, 0.0011%; no homozygotes.

Submission:

Ambry Genetics
Classification: Uncertain significance. Last evaluated: 2024-05-28. Review status: criteria provided, single submitter. Criteria: Ambry Variant Classification Scheme 2023. Collection method: clinical testing. Allele origin: germline.
Comment: The p.T434N variant (also known as c.1301C>A), located in coding exon 5 of the PALLD gene, results from a C to A substitution at nucleotide position 1301. The threonine at codon 434 is replaced by asparagine, an amino acid with similar properties. This amino acid position is conserved. In addition, this alteration is predicted to be tolerated by in silico analysis. Based on the available evidence, the clinical significance of this variant remains unclear.

NM_001166108.2(PALLD):c.1301C>A (p.Thr434Asn)

Gene: PALLD (palladin, cytoskeletal associated protein; plus strand). Cytogenetic location: 4q32.3.
Variant type: single nucleotide variant.
Coding change: c.1301C>A on transcript NM_001166108.2 (MANE Select); coding-DNA position 1301, C replaced by A.
Protein change: p.Thr434Asn; replaces threonine 434 with asparagine.
Molecular consequence: missense variant.
Genome position (GRCh38, 1-based): chr4:168,685,525, C>A. VCF-style: chr4-168685525-C-A. GRCh37 (hg19) VCF-style: chr4-169606676-C-A.
Other names: c.155C>A, p.Thr52Asn (NM_001166109.2); c.1301C>A, p.Thr434Asn (NM_016081.4); short protein forms T52N, T434N.
Identifiers: ClinVar variation 3304105 (VCV003304105.1).
Genomic context (GRCh38, chr4:168,685,525, plus strand): 5'-ATATGTCTCTGCTTTTGCAGGTTCACAGTCCAACTTCATATCTCTGCCGACCTGATGGAA[C>A]CACTACTGCCTACTTTCCTCCTGTTTTTACAAAGGTCTGACATCTGGAAGTCTCATTCTC-3'
Protein context (NP_001159580.1, residues 424-444): PTSYLCRPDG[Thr434Asn]TTAYFPPVFT